The following is an entry in ClinVar:

NM_003737.4(DCHS1):c.4136T>G (p.Phe1379Cys)

Gene: DCHS1 (dachsous cadherin-related 1; minus strand). Cytogenetic location: 11p15.4.
Variant type: single nucleotide variant.
Coding change: c.4136T>G on transcript NM_003737.4 (MANE Select); coding-DNA position 4136, T replaced by G.
Protein change: p.Phe1379Cys; replaces phenylalanine 1379 with cysteine.
Molecular consequence: missense variant.
Genome position (GRCh38, 1-based): chr11:6,630,658, A>C on the plus strand (T>G on the coding strand, the complement: DCHS1 is on the minus strand). VCF-style: chr11-6630658-A-C. GRCh37 (hg19) VCF-style: chr11-6651889-A-C.
Other names: c.4136T>G (NM_003737.3); short protein forms F1379C.
Identifiers: ClinVar variation 3080441 (VCV003080441.2), dbSNP rs1432765793, ClinGen allele CA379407265.

ClinVar aggregate classification (germline): Uncertain significance. Review status: criteria provided, multiple submitters, no conflicts (2 of 4 stars). 2 submissions from 2 submitters: Uncertain significance (2). Last evaluated 2024-01-08.

Conditions:
Inborn genetic diseases. Identifiers: MedGen C0950123, MeSH D030342.

Allele frequency attached by ClinVar (database versions not stated): gnomAD 0.00001; TOPMed 0.00001; gnomAD exomes 0.00003.
gnomAD v4.1: 37 of 1,537,422 alleles (0.0024%); highest among the groups gnomAD compares: Non-Finnish European, 0.0031%; no homozygotes.

Submissions (2):

Ambry Genetics
Classification: Uncertain significance for Inborn genetic diseases. Last evaluated: 2024-01-08. Review status: criteria provided, single submitter. Criteria: Ambry Variant Classification Scheme 2023. Collection method: clinical testing. Allele origin: germline.

GeneDx
Classification: Uncertain significance. Last evaluated: 2024-01-02. Review status: criteria provided, single submitter. Criteria: GeneDx Variant Classification Process June 2021. Collection method: clinical testing. Allele origin: germline. Affected: yes.
Comment: Not observed at significant frequency in large population cohorts (gnomAD); In silico analysis supports that this missense variant has a deleterious effect on protein structure/function; Has not been previously published as pathogenic or benign to our knowledge